The following is an entry in ClinVar:

ClinVar aggregate classification (germline): Uncertain significance (1 of 4 stars; one submission).

Conditions:
DICER1-related tumor predisposition. Also called: DICER1 syndrome; DICER1-related pleuropulmonary blastoma cancer predisposition syndrome. Identifiers: Orphanet 284343, MedGen C3839822, MONDO:0100216.

Allele frequency attached by ClinVar (database versions not stated): gnomAD exomes below 0.00001.
gnomAD v4.1: 1 of 1,614,208 alleles (0.000062%); highest among the groups gnomAD compares: East Asian, 0.0022%; no homozygotes.

Submission:

Labcorp Genetics (formerly Invitae), Labcorp
Classification: Uncertain significance for DICER1-related tumor predisposition. Last evaluated: 2022-02-21. Review status: criteria provided, single submitter. Criteria: Invitae Variant Classification Sherloc (09022015). Collection method: clinical testing. Allele origin: germline.
Comment: In summary, the available evidence is currently insufficient to determine the role of this variant in disease. Therefore, it has been classified as a Variant of Uncertain Significance. Algorithms developed to predict the effect of missense changes on protein structure and function (SIFT, PolyPhen-2, Align-GVGD) all suggest that this variant is likely to be tolerated. This variant has not been reported in the literature in individuals affected with DICER1-related conditions. This variant is not present in population databases (gnomAD no frequency). This sequence change replaces valine, which is neutral and non-polar, with isoleucine, which is neutral and non-polar, at codon 736 of the DICER1 protein (p.Val736Ile).

NM_177438.3(DICER1):c.2206G>A (p.Val736Ile)

Gene: DICER1 (dicer 1, ribonuclease III; minus strand). Cytogenetic location: 14q32.13.
Variant type: single nucleotide variant.
Coding change: c.2206G>A on transcript NM_177438.3 (MANE Select); coding-DNA position 2206, G replaced by A.
Protein change: p.Val736Ile; replaces valine 736 with isoleucine.
Molecular consequence: missense variant. On other transcripts: non-coding transcript variant (6).
Genome position (GRCh38, 1-based): chr14:95,111,367, C>T on the plus strand (G>A on the coding strand, the complement: DICER1 is on the minus strand). VCF-style: chr14-95111367-C-T. GRCh37 (hg19) VCF-style: chr14-95577704-C-T.
Other names: c.2206G>A, p.Val736Ile (NM_001195573.1, NM_001271282.3, NM_001291628.2 and 13 more transcripts); c.1924G>A, p.Val642Ile (NM_001395686.1); c.1801G>A, p.Val601Ile (NM_001395687.1, NM_001395688.1, NM_001395689.1 and 3 more transcripts); c.1639G>A, p.Val547Ile (NM_001395691.1); c.523G>A, p.Val175Ile (NM_001395697.1); short protein forms V642I, V175I, V547I, V736I, V601I.
Identifiers: ClinVar variation 2100850 (VCV002100850.4), dbSNP rs2140067435, ClinGen allele CA390882607.
Genomic context (GRCh38, chr14:95,111,367, plus strand): 5'-CAATACTAACTGCTTTTGGGTAGCACTGCCTTCGTTTCGTGGAACCTGGTCTTCCTGGAA[C>T]ACTGGTCTCTTCTTCATCATGCAAATCAAGCTCCTCTTCATATTTAACAGTCTCTTTCCC-3'
Protein context (NP_803187.1, residues 726-746): LDLHDEEETS[Val736Ile]PGRPGSTKRR